The following is an entry in ClinVar:

ClinVar aggregate classification (germline): Uncertain significance. Review status: criteria provided, single submitter (1 of 4 stars). 2 submissions from 2 submitters: Uncertain significance (1). 1 of the submissions does not count toward it. Last evaluated 2022-01-28.

Conditions:
Idiopathic generalized epilepsy. Also called: Generalised epilepsy; EIG. Identifiers: MedGen C0270850, MONDO:0005579, OMIM 600669.
Hyperaldosteronism, familial, type IV (HALD4). Also called: FH IV; ALDOSTERONISM, PRIMARY, AND HYPERTENSION. Identifiers: Orphanet 642671, MedGen C4310756, MONDO:0014875, OMIM 617027.
Epilepsy, childhood absence, susceptibility to, 6. Identifiers: Orphanet 64280, MedGen C2749872, MONDO:0012763, OMIM 611942.

Allele frequency attached by ClinVar (database versions not stated): gnomAD exomes 0.00001 and 0.00002; ExAC 0.00002; gnomAD 0.00002; TOPMed 0.00002.
gnomAD v4.1: 27 of 1,612,730 alleles (0.0017%); highest among the groups gnomAD compares: East Asian, 0.011%; no homozygotes.

Submissions (2):

Labcorp Genetics (formerly Invitae), Labcorp
Classification: Uncertain significance for Idiopathic generalized epilepsy; Hyperaldosteronism, familial, type IV. Last evaluated: 2022-01-28. Review status: criteria provided, single submitter. Criteria: Invitae Variant Classification Sherloc (09022015). Collection method: clinical testing. Allele origin: germline.
Comment: In summary, the available evidence is currently insufficient to determine the role of this variant in disease. Therefore, it has been classified as a Variant of Uncertain Significance. Experimental studies have shown that this missense change affects CACNA1H function (PMID: 14729682, 15888660). Advanced modeling of protein sequence and biophysical properties (such as structural, functional, and spatial information, amino acid conservation, physicochemical variation, residue mobility, and thermodynamic stability) performed at Invitae indicates that this missense variant is expected to disrupt CACNA1H protein function. ClinVar contains an entry for this variant (Variation ID: 2703). This missense change has been observed in individual(s) with clinical features of CACNA1H-related conditions (PMID: 12891677, 31130284). The frequency data for this variant in the population databases is considered unreliable, as metrics indicate poor data quality at this position in the gnomAD database. This sequence change replaces valine, which is neutral and non-polar, with methionine, which is neutral and non-polar, at codon 831 of the CACNA1H protein (p.Val831Met).

OMIM
Classification: risk factor for EPILEPSY, CHILDHOOD ABSENCE, SUSCEPTIBILITY TO, 6. Last evaluated: 2004-03-12. Review status: no assertion criteria provided. Collection method: literature only. Allele origin: germline. Not counted in ClinVar's aggregate classification.

Literature cited by the submitters: PubMed 14729682 (cited by Labcorp Genetics (formerly Invitae), Labcorp and OMIM); PubMed 15888660 (cited by Labcorp Genetics (formerly Invitae), Labcorp); PubMed 12891677 (cited by Labcorp Genetics (formerly Invitae), Labcorp and OMIM); PubMed 31130284 (cited by Labcorp Genetics (formerly Invitae), Labcorp).

NM_021098.3(CACNA1H):c.2491G>A (p.Val831Met)

Gene: CACNA1H (calcium voltage-gated channel subunit alpha1 H; plus strand). Cytogenetic location: 16p13.3.
Variant type: single nucleotide variant.
Coding change: c.2491G>A on transcript NM_021098.3 (MANE Select); coding-DNA position 2491, G replaced by A.
Protein change: p.Val831Met; replaces valine 831 with methionine.
Molecular consequence: missense variant.
Genome position (GRCh38, 1-based): chr16:1,205,153, G>A. VCF-style: chr16-1205153-G-A. GRCh37 (hg19) VCF-style: chr16-1255153-G-A.
Other names: c.2491G>A, p.Val831Met (NM_001005407.2); short protein forms V831M.
Identifiers: ClinVar variation 2703 (VCV000002703.10), dbSNP rs119454949, ClinGen allele CA214924.